The following is an entry in ClinVar:

ClinVar aggregate classification (germline): Conflicting classifications of pathogenicity. Review status: criteria provided, conflicting classifications (1 of 4 stars). 4 submissions from 4 submitters: Uncertain significance (1); Benign (1); Likely benign (2). Last evaluated 2025-06-11.

Conditions:
Hereditary nonpolyposis colon cancer (HNPCC). Also called: Hereditary nonpolyposis colorectal cancer; Familial nonpolyposis colon cancer; Hereditary Nonpolyposis Colorectal Cancer Syndrome. Identifiers: Orphanet 443909, MedGen C1333990, MONDO:0018630. Disease mechanism: loss of function.
Hereditary diffuse gastric adenocarcinoma (HDGC). Also called: DIFFUSE GASTRIC AND LOBULAR BREAST CANCER SYNDROME. Identifiers: Orphanet 26106, MedGen C1708349, MONDO:0007648, OMIM 137215.
Hereditary cancer-predisposing syndrome. Also called: Hereditary Cancer Syndrome; Tumor predisposition; Neoplastic Syndromes, Hereditary; Hereditary neoplastic syndrome. Identifiers: Orphanet 140162, MedGen C0027672, MeSH D009386, MONDO:0015356.

Allele frequency attached by ClinVar (database versions not stated): gnomAD exomes below 0.00001.
gnomAD v4.1: 3 of 1,613,674 alleles (0.00019%); highest among the groups gnomAD compares: Non-Finnish European, 0.00025%; no homozygotes.

Submissions (4):

Labcorp Genetics (formerly Invitae), Labcorp
Classification: Likely benign. Last evaluated: 2025-06-11. Review status: criteria provided, single submitter. Criteria: Invitae Variant Classification Sherloc (09022015). Collection method: clinical testing. Allele origin: germline.

Myriad Genetics, Inc.
Classification: Benign for Hereditary diffuse gastric adenocarcinoma. Last evaluated: 2024-10-09. Review status: criteria provided, single submitter. Criteria: Myriad Autosomal Dominant, Autosomal Recessive and X-Linked Classification Criteria (2023). Collection method: clinical testing. Allele origin: unknown.
Comment: This variant is considered benign. This variant is a silent/synonymous amino acid change and it is not expected to impact splicing.

Ambry Genetics
Classification: Likely benign for Hereditary cancer-predisposing syndrome. Last evaluated: 2023-09-21. Review status: criteria provided, single submitter. Criteria: Ambry Variant Classification Scheme 2023. Collection method: clinical testing. Allele origin: germline.

Department of Pathology and Laboratory Medicine, Sinai Health System
Classification: Uncertain significance for hereditary nonpolyposis colon cancer. Last evaluated: 2022-09-30. Review status: criteria provided, single submitter. Criteria: ACMG Guidelines, 2015. Collection method: clinical testing. Allele origin: germline. Affected: yes.

NM_001903.5(CTNNA1):c.282A>G (p.Val94=)

Gene: CTNNA1 (catenin alpha 1; plus strand). Cytogenetic location: 5q31.2.
Variant type: single nucleotide variant.
Coding change: c.282A>G on transcript NM_001903.5 (MANE Select); coding-DNA position 282, A replaced by G.
Protein change: p.Val94=; no amino-acid change (valine 94 retained).
Molecular consequence: synonymous variant. On other transcripts: intron variant (2).
Genome position (GRCh38, 1-based): chr5:138,783,353, A>G. VCF-style: chr5-138783353-A-G. GRCh37 (hg19) VCF-style: chr5-138119042-A-G.
Other names: c.282A>G, p.Val94= (NM_001290307.3, NM_001323982.2, NM_001323983.1 and 3 more transcripts); c.-6+81A>G (NM_001290310.3); c.-9+1324A>G (NM_001290309.3).
Identifiers: ClinVar variation 3221911 (VCV003221911.5), dbSNP rs2532179542, ClinGen allele CA446725167.